The following is an entry in ClinVar:

NM_000044.6(AR):c.2653T>C (p.Ser885Pro)

Gene: AR (androgen receptor; plus strand). Cytogenetic location: Xq12.
Variant type: single nucleotide variant.
Coding change: c.2653T>C on transcript NM_000044.6 (MANE Select); coding-DNA position 2653, T replaced by C.
Protein change: p.Ser885Pro; replaces serine 885 with proline.
Molecular consequence: missense variant.
Genome position (GRCh38, 1-based): chrX:67,723,731, T>C. VCF-style: chrX-67723731-T-C. GRCh37 (hg19) VCF-style: chrX-66943573-T-C.
Other names: c.1057T>C, p.Ser353Pro (NM_001011645.3); short protein forms S353P, S885P.
Identifiers: ClinVar variation 1410073 (VCV001410073.8), dbSNP rs2147540359, ClinGen allele CA413428249.
Genomic context (GRCh38, chrX:67,723,731, plus strand): 5'-TATTGTTCCCTACAGATTGCGAGAGAGCTGCATCAGTTCACTTTTGACCTGCTAATCAAG[T>C]CACACATGGTGAGCGTGGACTTTCCGGAAATGATGGCAGAGATCATCTCTGTGCAAGTGC-3'
Protein context (NP_000035.2, residues 875-895): HQFTFDLLIK[Ser885Pro]HMVSVDFPEM

ClinVar aggregate classification (germline): Uncertain significance (1 of 4 stars; one submission).

Conditions:
Kennedy disease (SMAX1). Also called: SPINAL AND BULBAR MUSCULAR ATROPHY, X-LINKED 1; KENNEDY SPINAL AND BULBAR MUSCULAR ATROPHY; Spinal and Bulbar Muscular Atrophy. Identifiers: Orphanet 481, MedGen C1839259, MONDO:0010735, OMIM 313200.
Androgen resistance syndrome (AIS). Also called: Androgen insensitivity, complete; ANDROGEN RECEPTOR DEFICIENCY; DIHYDROTESTOSTERONE RECEPTOR DEFICIENCY; Androgen insensitivity syndrome due to coactivator deficiency; Androgen insensitivity; TESTICULAR FEMINIZATION SYNDROME. Identifiers: Orphanet 754, Orphanet 99429, MedGen C0039585, MONDO:0019154, OMIM 300068. Disease mechanism: loss of function.

Submission:

Labcorp Genetics (formerly Invitae), Labcorp
Classification: Uncertain significance for Kennedy disease; Androgen resistance syndrome. Last evaluated: 2022-01-20. Review status: criteria provided, single submitter. Criteria: Invitae Variant Classification Sherloc (09022015). Collection method: clinical testing. Allele origin: germline.
Comment: In summary, the available evidence is currently insufficient to determine the role of this variant in disease. Therefore, it has been classified as a Variant of Uncertain Significance. Algorithms developed to predict the effect of missense changes on protein structure and function are either unavailable or do not agree on the potential impact of this missense change (SIFT: "Deleterious"; PolyPhen-2: "Probably Damaging"; Align-GVGD: "Class C0"). This sequence change replaces serine, which is neutral and polar, with proline, which is neutral and non-polar, at codon 885 of the AR protein (p.Ser885Pro). This variant is not present in population databases (gnomAD no frequency). This variant has not been reported in the literature in individuals affected with AR-related conditions.